The following is an entry in ClinVar:

ClinVar aggregate classification (germline): Benign/Likely benign. Review status: criteria provided, multiple submitters, no conflicts (2 of 4 stars). 7 submissions from 7 submitters: Benign (1); Likely benign (6). Last evaluated 2026-07-07.

Conditions:
PKD1L1-related disorder. Also called: PKD1L1-related condition.
Heterotaxy, visceral, 8, autosomal (HTX8). Identifiers: MedGen C4310668, MONDO:0014967, OMIM 617205.

Allele frequency attached by ClinVar (database versions not stated): 1000 Genomes Project 0.00180; 1000 Genomes Project 30x 0.00203; gnomAD exomes 0.00366 and 0.00631; ExAC 0.00372; gnomAD 0.00418 and 0.00434; TOPMed 0.00424; ESP Exome Variant Server 0.00584.
gnomAD v4.1: 9,826 of 1,614,078 alleles (0.61%); highest among the groups gnomAD compares: Non-Finnish European, 0.76%; 43 homozygotes.

Submissions (11):

PreventionGenetics, part of Exact Sciences
Classification: Likely benign for PKD1L1-related condition. Last evaluated: 2026-07-07. Review status: criteria provided, single submitter. Criteria: ACMG Guidelines, 2015. Collection method: clinical testing. Allele origin: germline.
Comment: This variant is classified as likely benign based on ACMG/AMP sequence variant interpretation guidelines (Richards et al. 2015 PMID: 25741868, with internal and published modifications).

CeGaT Center for Human Genetics Tuebingen
Classification: Likely benign. Last evaluated: 2026-05-01. Review status: criteria provided, single submitter. Criteria: CeGaT Center For Human Genetics Tuebingen Variant Classification Criteria Version 2. Collection method: clinical testing. Allele origin: germline. Affected: yes. Observed: 7 variant alleles.
Comment: PKD1L1: PP3, BS2

Labcorp Genetics (formerly Invitae), Labcorp
Classification: Benign. Last evaluated: 2025-12-16. Review status: criteria provided, single submitter. Criteria: Invitae Variant Classification Sherloc (09022015). Collection method: clinical testing. Allele origin: germline.

Blueprint Genetics
Classification: Likely benign. Last evaluated: 2024-11-27. Review status: criteria provided, single submitter. Criteria: ACMG Guidelines, 2015. Collection method: clinical testing. Allele origin: germline.

Fulgent Genetics
Classification: Likely benign for Heterotaxy, visceral, 8, autosomal. Last evaluated: 2021-10-07. Review status: criteria provided, single submitter. Criteria: ACMG Guidelines, 2015. Collection method: clinical testing. Allele origin: unknown.

Institute of Human Genetics, University of Leipzig Medical Center
Classification: Likely benign for Heterotaxy, visceral, 8, autosomal. Last evaluated: 2019-01-01. Review status: criteria provided, single submitter. Criteria: ACMG Guidelines, 2015. Collection method: clinical testing. Allele origin: unknown. Affected: yes.

Breakthrough Genomics
Classification: Likely benign. Review status: criteria provided, single submitter. Criteria: ACMG Guidelines, 2015. Collection method: not provided. Allele origin: germline. Inheritance: Autosomal recessive inheritance. Affected: yes.

Dr. Peter K. Rogan Lab, Western University
No classification provided (evidence only). Condition: Melanoma. Review status: no classification provided. Collection method: in vitro. Allele origin: not applicable. Functional consequence: retained intron. Not counted in ClinVar's aggregate classification.

Dr. Peter K. Rogan Lab, Western University
No classification provided (evidence only). Condition: Melanoma. Review status: no classification provided. Collection method: in vitro. Allele origin: not applicable. Functional consequence: retained intron. Not counted in ClinVar's aggregate classification.

Dr. Peter K. Rogan Lab, Western University
No classification provided (evidence only). Condition: Gastric cancer. Review status: no classification provided. Collection method: in vitro. Allele origin: not applicable. Functional consequence: retained intron. Not counted in ClinVar's aggregate classification.

Dr. Peter K. Rogan Lab, Western University
No classification provided (evidence only). Condition: Lymphoma. Review status: no classification provided. Collection method: in vitro. Allele origin: not applicable. Functional consequence: retained intron. Not counted in ClinVar's aggregate classification.

NM_138295.5(PKD1L1):c.2969G>A (p.Arg990Gln)

Gene: PKD1L1 (polycystin 1 like 1, transient receptor potential channel interacting; minus strand). Cytogenetic location: 7p12.3.
Variant type: single nucleotide variant.
Coding change: c.2969G>A on transcript NM_138295.5 (MANE Select); coding-DNA position 2969, G replaced by A.
Protein change: p.Arg990Gln; replaces arginine 990 with glutamine.
Molecular consequence: missense variant.
Genome position (GRCh38, 1-based): chr7:47,885,922, C>T on the plus strand (G>A on the coding strand, the complement: PKD1L1 is on the minus strand). VCF-style: chr7-47885922-C-T. GRCh37 (hg19) VCF-style: chr7-47925520-C-T.
Other names: short protein forms R990Q.
Identifiers: ClinVar variation 774875 (VCV000774875.47), dbSNP rs141646493, ClinGen allele CA4253577.
Genomic context (GRCh38, chr7:47,885,922, plus strand): 5'-GTGGGGGTTCCCCTTGGAGCTGAAGTGGCAGGTTGGCCAAGGGTCACGGGTGAAGGTTCC[C>T]GTGAGAATGGTGTGGTCGTTGCATCAGGATCTGCAGTGCCAGGCTCAGTGGGCAGCAGGT-3'
Protein context (NP_612152.1, residues 980-1000): DPDATTTPFS[Arg990Gln]EPSPVTLGQP